The following is an entry in ClinVar:

NM_000548.5(TSC2):c.228C>T (p.His76=)

Gene: TSC2 (TSC complex subunit 2; plus strand). Cytogenetic location: 16p13.3.
Variant type: single nucleotide variant.
Coding change: c.228C>T on transcript NM_000548.5 (MANE Select); coding-DNA position 228, C replaced by T.
Protein change: p.His76=; no amino-acid change (histidine 76 retained).
Molecular consequence: synonymous variant. On other transcripts: intron variant (2).
Genome position (GRCh38, 1-based): chr16:2,053,344, C>T. VCF-style: chr16-2053344-C-T. GRCh37 (hg19) VCF-style: chr16-2103345-C-T.
Other names: p.H76H:CAC>CAT; p.His76=; c.228C>T, p.His76= (NM_001077183.3, NM_001114382.3, NM_001363528.2 and 3 more transcripts); c.81C>T, p.His27= (NM_001318829.2); c.261C>T, p.His87= (NM_001318832.2); c.226-952C>T (NM_001318827.2); c.-1-2852C>T (NM_001318831.2).
Identifiers: ClinVar variation 49202 (VCV000049202.73), dbSNP rs45517097, ClinGen allele CA017149.

ClinVar aggregate classification (germline): Benign/Likely benign. Review status: criteria provided, multiple submitters, no conflicts (2 of 4 stars). 22 submissions from 22 submitters: Benign (13); Likely benign (4). 5 of the submissions do not count toward it. Last evaluated 2026-08-01.

Conditions:
Tuberous sclerosis 2 (TSC2). Identifiers: Orphanet 805, MedGen C1860707, MONDO:0013199, OMIM 613254.
Lymphangiomyomatosis (LAM). Also called: Lymphangioleiomyomatosis; Lymphangioleiomyomatosis, somatic. Identifiers: Orphanet 538, MedGen C0751674, MONDO:0011705, OMIM 606690.
Isolated focal cortical dysplasia type II (FCORD2). Also called: Focal cortical dysplasia type II; CORTICAL DYSPLASIA OF TAYLOR. Identifiers: Orphanet 268994, MedGen C1846385, MONDO:0011818, OMIM 607341, HP:0032051.
Hereditary cancer-predisposing syndrome. Also called: Neoplastic Syndromes, Hereditary; Tumor predisposition; Hereditary Cancer Syndrome; Hereditary neoplastic syndrome. Identifiers: Orphanet 140162, MedGen C0027672, MeSH D009386, MONDO:0015356.
Tuberous sclerosis syndrome (TSC). Also called: Tuberous Sclerosis Complex; Tuberous sclerosis. Identifiers: Orphanet 805, MedGen C0041341, MONDO:0001734.

Allele frequency attached by ClinVar (database versions not stated): ExAC 0.00687; TOPMed 0.00080; 1000 Genomes Project 30x 0.00109; ESP Exome Variant Server 0.00131; 1000 Genomes Project 0.00140; gnomAD exomes 0.00196 and 0.00332; gnomAD 0.00285 and 0.00297.
gnomAD v4.1: 3,204 of 1,580,544 alleles (0.2%); highest among the groups gnomAD compares: Non-Finnish European, 0.15%; 15 homozygotes.

Submissions (22):

CeGaT Center for Human Genetics Tuebingen
Classification: Likely benign. Last evaluated: 2026-08-01. Review status: criteria provided, single submitter. Criteria: CeGaT Center For Human Genetics Tuebingen Variant Classification Criteria Version 2. Collection method: clinical testing. Allele origin: germline. Affected: yes. Observed: 34 variant alleles.
Comment: TSC2: BP4, BP7

Labcorp Genetics (formerly Invitae), Labcorp
Classification: Benign for Tuberous sclerosis 2. Last evaluated: 2026-02-03. Review status: criteria provided, single submitter. Criteria: Invitae Variant Classification Sherloc (09022015). Collection method: clinical testing. Allele origin: germline.

Quest Diagnostics Nichols Institute San Juan Capistrano
Classification: Benign. Last evaluated: 2025-07-22. Review status: criteria provided, single submitter. Criteria: Quest Diagnostics criteria. Collection method: clinical testing. Allele origin: unknown.

Myriad Genetics, Inc.
Classification: Benign for Tuberous sclerosis 2. Last evaluated: 2025-05-02. Review status: criteria provided, single submitter. Criteria: Myriad Autosomal Dominant, Autosomal Recessive and X-Linked Classification Criteria (2023). Collection method: clinical testing. Allele origin: unknown.
Comment: This variant is considered benign. This variant is a silent/synonymous amino acid change and it is not expected to impact splicing.

Mayo Clinic Laboratories, Mayo Clinic
Classification: Benign. Last evaluated: 2025-03-18. Review status: criteria provided, single submitter. Criteria: ACMG Guidelines, 2015. Collection method: clinical testing. Allele origin: germline. Observed: 3 variant alleles.
Comment: BA1, BP4, BP7

Blueprint Genetics
Classification: Likely benign. Last evaluated: 2024-11-22. Review status: criteria provided, single submitter. Criteria: ACMG Guidelines, 2015. Collection method: clinical testing. Allele origin: germline.

Department of Pathology and Laboratory Medicine, Sinai Health System
Classification: Benign for Lymphangiomyomatosis; Isolated focal cortical dysplasia type II; Tuberous sclerosis 2. Last evaluated: 2022-12-19. Review status: criteria provided, single submitter. Criteria: ACMG Guidelines, 2015. Collection method: clinical testing. Allele origin: germline.

Color Diagnostics, LLC DBA Color Health
Classification: Benign for Tuberous sclerosis syndrome. Last evaluated: 2022-09-08. Review status: criteria provided, single submitter. Criteria: ACMG Guidelines, 2015. Collection method: clinical testing. Allele origin: germline.

Genome-Nilou Lab
Classification: Benign for Tuberous sclerosis 2. Last evaluated: 2021-11-07. Review status: criteria provided, single submitter. Criteria: ACMG Guidelines, 2015. Collection method: clinical testing. Allele origin: germline. Affected: no.

ARUP Laboratories, Molecular Genetics and Genomics, ARUP Laboratories
Classification: Benign. Last evaluated: 2021-06-17. Review status: criteria provided, single submitter. Criteria: ARUP Molecular Germline Variant Investigation Process 2021. Collection method: clinical testing. Allele origin: germline.

Illumina Laboratory Services, Illumina
Classification: Benign for Tuberous sclerosis syndrome. Last evaluated: 2018-01-13. Review status: criteria provided, single submitter. Criteria: ICSL Variant Classification Criteria 13 December 2019. Collection method: clinical testing. Allele origin: germline.
Comment: This variant was observed in the ICSL laboratory as part of a predisposition screen in an ostensibly healthy population. It had not been previously curated by ICSL or reported in the Human Gene Mutation Database (HGMD: prior to June 1st, 2018), and was therefore a candidate for classification through an automated scoring system. Utilizing variant allele frequency, disease prevalence and penetrance estimates, and inheritance mode, an automated score was calculated to assess if this variant is too frequent to cause the disease. Based on the score and internal cut-off values, a variant classified as benign is not then subjected to further curation. The score for this variant resulted in a classification of benign for this disease.

Athena Diagnostics
Classification: Benign for Tuberous sclerosis 2. Last evaluated: 2017-05-30. Review status: criteria provided, single submitter. Criteria: Athena Diagnostics Criteria. Collection method: clinical testing. Allele origin: germline.

Eurofins Ntd Llc (ga)
Classification: Benign. Last evaluated: 2017-02-09. Review status: criteria provided, single submitter. Criteria: EGL Classification Definitions 2015. Collection method: clinical testing. Allele origin: germline. Observed: 1 variant allele, 1 heterozygote.

Ambry Genetics
Classification: Likely benign for Hereditary cancer-predisposing syndrome. Last evaluated: 2014-11-07. Review status: criteria provided, single submitter. Criteria: Ambry Variant Classification Scheme 2023. Collection method: clinical testing. Allele origin: germline.

GeneDx
Classification: Benign. Last evaluated: 2012-04-17. Review status: criteria provided, single submitter. Criteria: GeneDx Variant Classification (06012015). Collection method: clinical testing. Allele origin: germline. Affected: yes.
Comment: This variant is considered likely benign or benign based on one or more of the following criteria: it is a conservative change, it occurs at a poorly conserved position in the protein, it is predicted to be benign by multiple in silico algorithms, and/or has population frequency not consistent with disease.

Breakthrough Genomics
Classification: Likely benign. Review status: criteria provided, single submitter. Criteria: ACMG Guidelines, 2015. Collection method: not provided. Allele origin: germline. Inheritance: Autosomal dominant inheritance. Affected: yes.

PreventionGenetics, part of Exact Sciences
Classification: Benign. Review status: criteria provided, single submitter. Criteria: ACMG Guidelines, 2015. Collection method: clinical testing. Allele origin: germline.

Clinical Genetics DNA and cytogenetics Diagnostics Lab, Erasmus MC, Erasmus Medical Center
Classification: Likely benign. Review status: no assertion criteria provided. Collection method: clinical testing. Allele origin: germline. Affected: yes. Study: VKGL Data-share Consensus. Not counted in ClinVar's aggregate classification.

Clinical Genetics, Academic Medical Center
Classification: Benign. Review status: no assertion criteria provided. Collection method: clinical testing. Allele origin: germline. Affected: yes. Study: VKGL Data-share Consensus. Not counted in ClinVar's aggregate classification.

Diagnostic Laboratory, Department of Genetics, University Medical Center Groningen
Classification: Benign. Review status: no assertion criteria provided. Collection method: clinical testing. Allele origin: germline. Affected: yes. Study: VKGL Data-share Consensus. Not counted in ClinVar's aggregate classification.

Genome Diagnostics Laboratory, Amsterdam University Medical Center
Classification: Likely benign. Review status: no assertion criteria provided. Collection method: clinical testing. Allele origin: germline. Affected: yes. Study: VKGL Data-share Consensus. Not counted in ClinVar's aggregate classification.

Tuberous sclerosis database (TSC2)
No classification provided. Condition: TSC. Review status: no classification provided. Criteria: Tuberous Sclerosis Database Assertion Criteria 2015. Collection method: curation. Allele origin: germline. Affected: yes. Not counted in ClinVar's aggregate classification.